The following is an entry in ClinVar:

ClinVar aggregate classification (germline): Uncertain significance. Review status: criteria provided, multiple submitters, no conflicts (2 of 4 stars). 2 submissions from 2 submitters: Uncertain significance (2). Last evaluated 2024-03-23.

Conditions:
Ataxia-telangiectasia syndrome (AT). Also called: LOUIS-BAR SYNDROME; Cerebello-oculocutaneous telangiectasia; Immunodeficiency with ataxia telangiectasia; ATAXIA-TELANGIECTASIA, COMPLEMENTATION GROUP A; ATAXIA-TELANGIECTASIA, FRESNO VARIANT; Ataxia-telangiectasia, complementation group D. Identifiers: Orphanet 100, MedGen C0004135, MONDO:0008840, OMIM 208900.
Hereditary cancer-predisposing syndrome. Also called: Hereditary neoplastic syndrome; Neoplastic Syndromes, Hereditary; Hereditary Cancer Syndrome; Tumor predisposition. Identifiers: Orphanet 140162, MedGen C0027672, MeSH D009386, MONDO:0015356.

Allele frequency attached by ClinVar (database versions not stated): TOPMed below 0.00001.

Submissions (2):

Ambry Genetics
Classification: Uncertain significance for Hereditary cancer-predisposing syndrome. Last evaluated: 2024-03-23. Review status: criteria provided, single submitter. Criteria: Ambry Variant Classification Scheme 2023. Collection method: clinical testing. Allele origin: germline.
Comment: The p.L1125V variant (also known as c.3373T>G), located in coding exon 22 of the ATM gene, results from a T to G substitution at nucleotide position 3373. The leucine at codon 1125 is replaced by valine, an amino acid with highly similar properties. This amino acid position is conserved. In addition, this alteration is predicted to be tolerated by in silico analysis. Based on the available evidence, the clinical significance of this alteration remains unclear.

Labcorp Genetics (formerly Invitae), Labcorp
Classification: Uncertain significance for Ataxia-telangiectasia syndrome. Last evaluated: 2021-03-09. Review status: criteria provided, single submitter. Criteria: Invitae Variant Classification Sherloc (09022015). Collection method: clinical testing. Allele origin: germline.
Comment: This sequence change replaces leucine with valine at codon 1125 of the ATM protein (p.Leu1125Val). The leucine residue is moderately conserved and there is a small physicochemical difference between leucine and valine. This variant is not present in population databases (ExAC no frequency). This variant has not been reported in the literature in individuals with ATM-related conditions. Advanced modeling of protein sequence and biophysical properties (such as structural, functional, and spatial information, amino acid conservation, physicochemical variation, residue mobility, and thermodynamic stability) performed at Invitae indicates that this missense variant is not expected to disrupt ATM protein function. In summary, the available evidence is currently insufficient to determine the role of this variant in disease. Therefore, it has been classified as a Variant of Uncertain Significance.

NM_000051.4(ATM):c.3373T>G (p.Leu1125Val)

Gene: ATM (ATM serine/threonine kinase; plus strand). Cytogenetic location: 11q22.3.
Variant type: single nucleotide variant.
Coding change: c.3373T>G on transcript NM_000051.4 (MANE Select); coding-DNA position 3373, T replaced by G.
Protein change: p.Leu1125Val; replaces leucine 1125 with valine.
Molecular consequence: missense variant.
Genome position (GRCh38, 1-based): chr11:108,279,579, T>G. VCF-style: chr11-108279579-T-G. GRCh37 (hg19) VCF-style: chr11-108150306-T-G.
Other names: c.3373T>G, p.Leu1125Val (NM_001351834.2); c.3373T>G (NM_000051.3); short protein forms L1125V.
Identifiers: ClinVar variation 1412448 (VCV001412448.9), dbSNP rs775277598, ClinGen allele CA382517710.